The following is an entry in ClinVar:

ClinVar aggregate classification (germline): Uncertain significance (1 of 4 stars; one submission).

gnomAD v4.1: 1 of 1,614,008 alleles (0.000062%); highest among the groups gnomAD compares: Non-Finnish European, 0.000085%; no homozygotes.

Submission:

Dasa
Classification: Uncertain significance. Last evaluated: 2026-02-17. Review status: criteria provided, single submitter. Criteria: DASA Assertion Criteria. Collection method: clinical testing. Allele origin: germline.
Comment: NM_000545.8(HNF1A):c.1162A>G (p.Ser388Gly) is a missense variant that results in the substitution of serine with glycine. This variant is rare in population databases. The currently available literature and clinical evidence are not sufficient to establish a definitive association between this variant and the reported condition. Therefore, this variant is classified as a variant of uncertain significance.

NM_000545.8(HNF1A):c.1162A>G (p.Ser388Gly)

Gene: HNF1A (HNF1 homeobox A; plus strand). Cytogenetic location: 12q24.31.
Variant type: single nucleotide variant.
Coding change: c.1162A>G on transcript NM_000545.8 (MANE Select); coding-DNA position 1162, A replaced by G.
Protein change: p.Ser388Gly; replaces serine 388 with glycine.
Molecular consequence: missense variant.
Genome position (GRCh38, 1-based): chr12:120,996,595, A>G. VCF-style: chr12-120996595-A-G. GRCh37 (hg19) VCF-style: chr12-121434398-A-G.
Other names: c.1162A>G, p.Ser388Gly (NM_001306179.2, NM_001406915.1); short protein forms S388G.
Identifiers: ClinVar variation 4882872 (VCV004882872.2).